The following is an entry in ClinVar:

ClinVar aggregate classification (germline): Uncertain significance (1 of 4 stars; one submission).

Submission:

CeGaT Center for Human Genetics Tuebingen
Classification: Uncertain significance. Last evaluated: 2023-09-01. Review status: criteria provided, single submitter. Criteria: CeGaT Center For Human Genetics Tuebingen Variant Classification Criteria Version 2. Collection method: clinical testing. Allele origin: germline. Affected: yes. Observed: 1 variant allele.
Comment: TTN: PM2

NM_001267550.2(TTN):c.68849C>A (p.Pro22950His)

Genes: TTN (titin; minus strand), TTN-AS1 (TTN antisense RNA 1; plus strand). Cytogenetic location: 2q31.2.
Variant type: single nucleotide variant.
Coding change: c.68849C>A on transcript NM_001267550.2 (MANE Select); coding-DNA position 68849, C replaced by A.
Protein change: p.Pro22950His; replaces proline 22950 with histidine.
Molecular consequence: missense variant.
Genome position (GRCh38, 1-based): chr2:178,577,486, G>T on the plus strand (C>A on the coding strand, the complement: TTN is on the minus strand). VCF-style: chr2-178577486-G-T. GRCh37 (hg19) VCF-style: chr2-179442213-G-T.
Other names: c.63926C>A, p.Pro21309His (NM_001256850.1); c.41654C>A, p.Pro13885His (NM_003319.4); c.61145C>A, p.Pro20382His (NM_133378.4); c.42029C>A, p.Pro14010His (NM_133432.3); c.42230C>A, p.Pro14077His (NM_133437.4); short protein forms P13885H, P14010H, P14077H, P20382H, P21309H, P22950H.
Identifiers: ClinVar variation 2651613 (VCV002651613.24), dbSNP rs2468782329, ClinGen allele CA349671022.